The following is an entry in ClinVar:

NM_018979.4(WNK1):c.1393G>A (p.Asp465Asn)

Gene: WNK1 (WNK lysine deficient protein kinase 1; plus strand). Cytogenetic location: 12p13.33.
Variant type: single nucleotide variant.
Coding change: c.1393G>A on transcript NM_018979.4 (MANE Select); coding-DNA position 1393, G replaced by A.
Protein change: p.Asp465Asn; replaces aspartic acid 465 with asparagine.
Molecular consequence: missense variant.
Genome position (GRCh38, 1-based): chr12:857,242, G>A. VCF-style: chr12-857242-G-A. GRCh37 (hg19) VCF-style: chr12-966408-G-A.
Other names: c.1393G>A, p.Asp465Asn (NM_001184985.2, NM_014823.3, NM_213655.5); short protein forms D465N.
Identifiers: ClinVar variation 1010544 (VCV001010544.8), dbSNP rs768875867, ClinGen allele CA383333679.
Genomic context (GRCh38, chr12:857,242, plus strand): 5'-GACAAAGTAGCAATTCCTGAAGTGAAGGAAATTATTGAAGGATGCATACGACAAAACAAA[G>A]ATGAAAGGTAAGTTGCCTCTTTTGATCTGGGTGATACTTGAACAAAACCTAAAAAGTAAT-3'
Protein context (NP_061852.3, residues 455-475): IIEGCIRQNK[Asp465Asn]ERYSIKDLLN

ClinVar aggregate classification (germline): Uncertain significance (1 of 4 stars; one submission).

Conditions:
Pseudohypoaldosteronism type 2C (PHA2C). Also called: Pseudohypoaldosteronism Type IIC. Identifiers: Orphanet 757, Orphanet 88940, MedGen C1840391, MONDO:0013778, OMIM 614492.
Neuropathy, hereditary sensory and autonomic, type 2A (HSAN2A). Also called: ACROOSTEOLYSIS, GIACCAI TYPE; ACROOSTEOLYSIS, NEUROGENIC; MORVAN DISEASE; NEUROPATHY, CONGENITAL SENSORY; NEUROPATHY, HEREDITARY SENSORY RADICULAR, AUTOSOMAL RECESSIVE; NEUROPATHY, HEREDITARY SENSORY, TYPE IIA. Identifiers: Orphanet 970, MedGen C2752089, MONDO:0024309, OMIM 201300.

Submission:

Labcorp Genetics (formerly Invitae), Labcorp
Classification: Uncertain significance for Neuropathy, hereditary sensory and autonomic, type 2A; Pseudohypoaldosteronism type 2C. Last evaluated: 2021-05-06. Review status: criteria provided, single submitter. Criteria: Invitae Variant Classification Sherloc (09022015). Collection method: clinical testing. Allele origin: germline.
Comment: This sequence change replaces aspartic acid with asparagine at codon 465 of the WNK1 protein (p.Asp465Asn). The aspartic acid residue is highly conserved and there is a small physicochemical difference between aspartic acid and asparagine. This variant is not present in population databases (ExAC no frequency). This variant has not been reported in the literature in individuals with WNK1-related conditions. Advanced modeling of protein sequence and biophysical properties (such as structural, functional, and spatial information, amino acid conservation, physicochemical variation, residue mobility, and thermodynamic stability) performed at Invitae indicates that this missense variant is not expected to disrupt WNK1 protein function. In summary, the available evidence is currently insufficient to determine the role of this variant in disease. Therefore, it has been classified as a Variant of Uncertain Significance.